The following is an entry in ClinVar:

ClinVar aggregate classification (germline): Benign/Likely benign. Review status: criteria provided, multiple submitters, no conflicts (2 of 4 stars). 3 submissions from 3 submitters: Benign (1); Likely benign (2). Last evaluated 2025-12-12.

Conditions:
Hereditary cancer-predisposing syndrome. Also called: Hereditary Cancer Syndrome; Tumor predisposition; Neoplastic Syndromes, Hereditary; Hereditary neoplastic syndrome. Identifiers: Orphanet 140162, MedGen C0027672, MeSH D009386, MONDO:0015356.
Familial adenomatous polyposis 1 (FAP1). Also called: FAMILIAL ADENOMATOUS POLYPOSIS 1, ATTENUATED; POLYPOSIS, ADENOMATOUS INTESTINAL. Identifiers: MedGen C2713442, MONDO:0021056, OMIM 175100. Disease mechanism: loss of function.

Allele frequency attached by ClinVar (database versions not stated): gnomAD exomes below 0.00001.
gnomAD v4.1: 1 of 1,613,950 alleles (0.000062%); highest among the groups gnomAD compares: Admixed American, 0.0017%; no homozygotes.

Submissions (3):

Ambry Genetics
Classification: Likely benign for Hereditary cancer-predisposing syndrome. Last evaluated: 2025-12-12. Review status: criteria provided, single submitter. Criteria: Ambry Variant Classification Scheme 2023. Collection method: clinical testing. Allele origin: germline.

Labcorp Genetics (formerly Invitae), Labcorp
Classification: Likely benign for Familial adenomatous polyposis 1. Last evaluated: 2025-09-02. Review status: criteria provided, single submitter. Criteria: Invitae Variant Classification Sherloc (09022015). Collection method: clinical testing. Allele origin: germline.

Myriad Genetics, Inc.
Classification: Benign for Familial adenomatous polyposis 1. Last evaluated: 2024-03-01. Review status: criteria provided, single submitter. Criteria: Myriad Autosomal Dominant, Autosomal Recessive and X-Linked Classification Criteria (2023). Collection method: clinical testing. Allele origin: unknown.
Comment: This variant is considered benign. This variant is a silent/synonymous amino acid change and it is not expected to impact splicing.

NM_000038.6(APC):c.1485T>C (p.Ile495=)

Gene: APC (APC regulator of Wnt signaling pathway; plus strand). Cytogenetic location: 5q22.2.
Variant type: single nucleotide variant.
Coding change: c.1485T>C on transcript NM_000038.6 (MANE Select); coding-DNA position 1485, T replaced by C.
Protein change: p.Ile495=; no amino-acid change (isoleucine 495 retained).
Molecular consequence: synonymous variant.
Genome position (GRCh38, 1-based): chr5:112,827,184, T>C. VCF-style: chr5-112827184-T-C. GRCh37 (hg19) VCF-style: chr5-112162881-T-C.
Other names: c.1485T>C, p.Ile495= (NM_001127510.3, NM_001354895.2); c.1431T>C, p.Ile477= (NM_001127511.3); c.1539T>C, p.Ile513= (NM_001354896.2); c.1515T>C, p.Ile505= (NM_001354897.2); c.1410T>C, p.Ile470= (NM_001354898.2); c.1401T>C, p.Ile467= (NM_001354899.2); c.1362T>C, p.Ile454= (NM_001354900.2); c.1308T>C, p.Ile436= (NM_001354901.2); and 5 more.
Identifiers: ClinVar variation 703653 (VCV000703653.52), dbSNP rs1472240007, ClinGen allele CA445755988.
Genomic context (GRCh38, chr5:112,827,184, plus strand): 5'-TGCAGAATTATTGCAAGTGGACTGTGAAATGTATGGGCTTACTAATGACCACTACAGTAT[T>C]ACACTAAGACGATATGCTGGAATGGCTTTGACAAACTTGACTTTTGGAGATGTAGCCAAC-3'
Protein context (NP_000029.2, residues 485-505): MYGLTNDHYS[Ile495=]TLRRYAGMAL